The following is an entry in ClinVar:

ClinVar aggregate classification (germline): Likely benign (1 of 4 stars; one submission).

gnomAD v4.1: 275 of 1,611,404 alleles (0.017%); highest among the groups gnomAD compares: South Asian, 0.28%; 5 homozygotes.

Submission:

CeGaT Center for Human Genetics Tuebingen
Classification: Likely benign. Last evaluated: 2026-01-01. Review status: criteria provided, single submitter. Criteria: CeGaT Center For Human Genetics Tuebingen Variant Classification Criteria Version 2. Collection method: clinical testing. Allele origin: germline. Affected: yes. Observed: 1 variant allele.
Comment: SMG9: BP4, BP7

NM_019108.4(SMG9):c.168A>G (p.Thr56=)

Gene: SMG9 (SMG9 nonsense mediated mRNA decay factor; minus strand). Cytogenetic location: 19q13.31.
Variant type: single nucleotide variant.
Coding change: c.168A>G on transcript NM_019108.4 (MANE Select); coding-DNA position 168, A replaced by G.
Protein change: p.Thr56=; no amino-acid change (threonine 56 retained).
Molecular consequence: synonymous variant.
Genome position (GRCh38, 1-based): chr19:43,748,035, T>C on the plus strand (A>G on the coding strand, the complement: SMG9 is on the minus strand). VCF-style: chr19-43748035-T-C. GRCh37 (hg19) VCF-style: chr19-44252187-T-C.
Identifiers: ClinVar variation 4821221 (VCV004821221.4).
Genomic context (GRCh38, chr19:43,748,035, plus strand): 5'-CACCCGCTCTGCTGGAGGTTTTGAGAGGATGATGGGGGTTTTCTGCATGACGGAAGTGCT[T>C]GTCTCTTCGCTGGCATCCTGTGGTGAGGGAGGGCAGTTACTCATGAATGGCTCTCCTGGA-3'
Protein context (NP_061981.2, residues 46-66): ERERRDASEE[Thr56=]STSVMQKTPI